The following is an entry in ClinVar:

NM_004333.6(BRAF):c.375T>G (p.Ser125=)

Gene: BRAF (B-Raf proto-oncogene, serine/threonine kinase; minus strand). Cytogenetic location: 7q34.
Variant type: single nucleotide variant.
Coding change: c.375T>G on transcript NM_004333.6 (MANE Select); coding-DNA position 375, T replaced by G.
Protein change: p.Ser125=; no amino-acid change (serine 125 retained).
Molecular consequence: synonymous variant. On other transcripts: intron variant (1).
Genome position (GRCh38, 1-based): chr7:140,834,738, A>C on the plus strand (T>G on the coding strand, the complement: BRAF is on the minus strand). VCF-style: chr7-140834738-A-C. GRCh37 (hg19) VCF-style: chr7-140534538-A-C.
Other names: p.S125S:TCT>TCG; NM_004333.4(BRAF):c.375T>G; c.375T>G, p.Ser125= (NM_001354609.2, NM_001374244.1, NM_001374258.1 and 5 more transcripts); c.273T>G, p.Ser91= (NM_001378470.1); c.219T>G, p.Ser73= (NM_001378472.1, NM_001378473.1); c.240+15373T>G (NM_001378475.1).
Identifiers: ClinVar variation 44825 (VCV000044825.50), dbSNP rs201507202, ClinGen allele CA135125.
Genomic context (GRCh38, chr7:140,834,738, plus strand): 5'-TGCCACATCTGTGGGATTTTGAAAAACTGAAAGAGATGAAGGTAGCACTGAAAGGCTAGA[A>C]GAGGAAGAAGATGTAACGGTATCCATTGATGCAGAGCTAGAAACAGAAAAATCAGTTCCG-3'
Protein context (NP_004324.2, residues 115-135): ASMDTVTSSS[Ser125=]SSLSVLPSSL

ClinVar aggregate classification (germline): Benign. Review status: reviewed by expert panel (3 of 4 stars). 13 submissions from 12 submitters: Benign (1). 12 of the submissions do not count toward it. Last evaluated 2017-04-18.

Conditions:
BRAF-related disorder. Also called: BRAF-related condition.
Noonan syndrome and Noonan-related syndrome. Identifiers: Orphanet 98733, MedGen C5681679, MONDO:0020297.
Cardiovascular phenotype. Identifiers: MedGen CN230736.
RASopathy. Also called: rasopathies; Noonan spectrum disorder. Identifiers: Orphanet 536391, MedGen C5555857, MONDO:0021060.
LEOPARD syndrome 3 (LPRD3). Identifiers: Orphanet 500, MedGen C3150971, MONDO:0013380, OMIM 613707.
Noonan syndrome 7 (NS7). Also called: BRAF-Related Noonan Syndrome. Identifiers: Orphanet 648, MedGen C3150970, MONDO:0013379, OMIM 613706.

Allele frequency attached by ClinVar (database versions not stated): TOPMed 0.00005; gnomAD 0.00008 and 0.00012; gnomAD exomes 0.00011; ExAC 0.00012; 1000 Genomes Project 0.00060; 1000 Genomes Project 30x 0.00062.
gnomAD v4.1: 119 of 1,614,216 alleles (0.0074%); highest among the groups gnomAD compares: East Asian, 0.11%; no homozygotes.

Submissions (13):

ClinGen RASopathy Variant Curation Expert Panel
Classification: Benign for Noonan syndrome and Noonan-related syndrome. Last evaluated: 2017-04-18. Review status: reviewed by expert panel. Criteria: ClinGen RASopathy ACMG Specifications v1. Collection method: curation. Allele origin: germline. Inheritance: Autosomal dominant inheritance.
Comment: The filtering allele frequency of the c.375T>G (p.Ser125=) variant in the BRAF gene is 0.054% (9/8644) of East Asian chromosomes by the Exome Aggregation Consortium, which is a high enough frequency to be classified as benign based on thresholds defined by the ClinGen RASopathy Expert Panel (BA1; PMID:29493581)

Labcorp Genetics (formerly Invitae), Labcorp
Classification: Benign for RASopathy. Last evaluated: 2026-01-21. Review status: criteria provided, single submitter. Criteria: Invitae Variant Classification Sherloc (09022015). Collection method: clinical testing. Allele origin: germline. Not counted in ClinVar's aggregate classification.

CeGaT Center for Human Genetics Tuebingen
Classification: Likely benign. Last evaluated: 2025-03-01. Review status: criteria provided, single submitter. Criteria: CeGaT Center For Human Genetics Tuebingen Variant Classification Criteria Version 2. Collection method: clinical testing. Allele origin: germline. Affected: yes. Observed: 2 variant alleles. Not counted in ClinVar's aggregate classification.
Comment: BRAF: BP4, BP7

Laboratory of Genetics, Children's Clinical University Hospital Latvia
Classification: Benign. Last evaluated: 2025-02-16. Review status: criteria provided, single submitter. Criteria: ACMG Guidelines, 2015. Collection method: clinical testing. Allele origin: germline. Affected: yes. Not counted in ClinVar's aggregate classification.

Blueprint Genetics
Classification: Likely benign. Last evaluated: 2024-01-05. Review status: criteria provided, single submitter. Criteria: ACMG Guidelines, 2015. Collection method: clinical testing. Allele origin: germline. Not counted in ClinVar's aggregate classification.

Ambry Genetics
Classification: Likely benign for Cardiovascular phenotype. Last evaluated: 2023-07-13. Review status: criteria provided, single submitter. Criteria: Ambry Variant Classification Scheme 2023. Collection method: clinical testing. Allele origin: germline. Not counted in ClinVar's aggregate classification.

Genome Diagnostics Laboratory, The Hospital for Sick Children
Classification: Benign for Noonan syndrome and Noonan-related syndrome. Last evaluated: 2018-08-01. Review status: criteria provided, single submitter. Criteria: ACMG Guidelines, 2015. Collection method: clinical testing. Allele origin: germline. Not counted in ClinVar's aggregate classification.

Illumina Laboratory Services, Illumina
Classification: Likely benign for LEOPARD syndrome 3. Last evaluated: 2017-04-27. Review status: criteria provided, single submitter. Criteria: ICSL Variant Classification Criteria 13 December 2019. Collection method: clinical testing. Allele origin: germline. Not counted in ClinVar's aggregate classification.
Comment: This variant was observed as part of a predisposition screen in an ostensibly healthy population. A literature search was performed for the gene, cDNA change, and amino acid change (where applicable). No publications were found based on this search. Allele frequency data from public databases allowed determination this variant is unlikely to cause disease. Therefore, this variant is classified as likely benign.

Illumina Laboratory Services, Illumina
Classification: Likely benign for Noonan syndrome 7. Last evaluated: 2017-04-27. Review status: criteria provided, single submitter. Criteria: ICSL Variant Classification Criteria 13 December 2019. Collection method: clinical testing. Allele origin: germline. Not counted in ClinVar's aggregate classification.
Comment: the same text as in the submission from Illumina Laboratory Services, Illumina above.

Women's Health and Genetics/Laboratory Corporation of America, LabCorp
Classification: Benign. Last evaluated: 2016-06-06. Review status: criteria provided, single submitter. Criteria: LabCorp Variant Classification Summary - May 2015. Collection method: clinical testing. Allele origin: germline. Not counted in ClinVar's aggregate classification.
Comment: Variant summary: The BRAF c.375T>G (p.Ser125Ser) variant involves the alteration of a non-conserved nucleotide, resulting in a synonymous change. One in silico tool predicts a damaging outcome for this variant. 5/5 programs in Alamut predict that this variant does not affect normal splicing, however no functional studies supporting this notion were published at the time of evaluation. This variant was found in 15/121392 control chromosomes at a frequency of 0.0001236, which is approximately 49 times the estimated maximal expected allele frequency of a pathogenic BRAF variant (0.0000025), suggesting this variant is likely a benign polymorphism. In addition, multiple clinical diagnostic laboratories classified this variant as benign. Taken together, based on the prevalence in the general population, the variant was classified as Benign.

GeneDx
Classification: Benign. Last evaluated: 2014-10-06. Review status: criteria provided, single submitter. Criteria: GeneDx Variant Classification (06012015). Collection method: clinical testing. Allele origin: germline. Affected: yes. Not counted in ClinVar's aggregate classification.
Comment: This variant is considered likely benign or benign based on one or more of the following criteria: it is a conservative change, it occurs at a poorly conserved position in the protein, it is predicted to be benign by multiple in silico algorithms, and/or has population frequency not consistent with disease.

Laboratory for Molecular Medicine, Mass General Brigham Personalized Medicine
Classification: Likely benign. Last evaluated: 2012-11-30. Review status: criteria provided, single submitter. Criteria: LMM Criteria. Collection method: clinical testing. Allele origin: germline. Observed: 1 variant allele. Not counted in ClinVar's aggregate classification.
Comment: Ser125Ser in Exon 03 of BRAF: This variant is not expected to have clinical sign ificance because it does not alter an amino acid residue, is not located within the splice consensus sequence, and has been identified in approximately 0.1% (2/ 2178) of chromosomes from a broad mixed population by the 1000 Genomes Project (dbSNP rs201507202).

PreventionGenetics, part of Exact Sciences
Classification: Likely benign for BRAF-related condition. Last evaluated: 2019-04-01. Review status: no assertion criteria provided. Collection method: clinical testing. Allele origin: germline. Not counted in ClinVar's aggregate classification.
Comment: This variant is classified as likely benign based on ACMG/AMP sequence variant interpretation guidelines (Richards et al. 2015 PMID: 25741868, with internal and published modifications).